The following is an entry in ClinVar:

NM_002335.4(LRP5):c.50T>C (p.Leu17Pro)

Gene: LRP5 (LDL receptor related protein 5; plus strand). Cytogenetic location: 11q13.2.
Variant type: single nucleotide variant.
Coding change: c.50T>C on transcript NM_002335.4 (MANE Select); coding-DNA position 50, T replaced by C.
Protein change: p.Leu17Pro; replaces leucine 17 with proline.
Molecular consequence: missense variant. On other transcripts: 5 prime UTR variant (1).
Genome position (GRCh38, 1-based): chr11:68,312,764, T>C. VCF-style: chr11-68312764-T-C. GRCh37 (hg19) VCF-style: chr11-68080232-T-C.
Other names: c.-1716T>C (NM_001291902.2); short protein forms L17P.
Identifiers: ClinVar variation 4800441 (VCV004800441.1).

ClinVar aggregate classification (germline): Uncertain significance (1 of 4 stars; one submission).

Submission:

Labcorp Genetics (formerly Invitae), Labcorp
Classification: Uncertain significance. Last evaluated: 2025-01-27. Review status: criteria provided, single submitter. Criteria: Invitae Variant Classification Sherloc (09022015). Collection method: clinical testing. Allele origin: germline.
Comment: This sequence change replaces leucine, which is neutral and non-polar, with proline, which is neutral and non-polar, at codon 17 of the LRP5 protein (p.Leu17Pro). This variant is not present in population databases (gnomAD no frequency). This variant has not been reported in the literature in individuals affected with LRP5-related conditions. Invitae Evidence Modeling of protein sequence and biophysical properties (such as structural, functional, and spatial information, amino acid conservation, physicochemical variation, residue mobility, and thermodynamic stability) has been performed for this missense variant. However, the output from this modeling did not meet the statistical confidence thresholds required to predict the impact of this variant on LRP5 protein function. In summary, the available evidence is currently insufficient to determine the role of this variant in disease. Therefore, it has been classified as a Variant of Uncertain Significance.